The following is an entry in ClinVar:

ClinVar aggregate classification (germline): Uncertain significance. Review status: criteria provided, multiple submitters, no conflicts (2 of 4 stars). 2 submissions from 2 submitters: Uncertain significance (2). Last evaluated 2025-05-11.

Conditions:
Inborn genetic diseases. Identifiers: MedGen C0950123, MeSH D030342.

gnomAD v4.1: 2 of 1,614,052 alleles (0.00012%); highest among the groups gnomAD compares: African/African-American, 0.0027%; no homozygotes.

Submissions (2):

Ambry Genetics
Classification: Uncertain significance for Inborn genetic diseases. Last evaluated: 2025-05-11. Review status: criteria provided, single submitter. Criteria: Ambry Variant Classification Scheme 2023. Collection method: clinical testing. Allele origin: germline.
Comment: The p.A1714P variant (also known as c.5140G>C), located in coding exon 20 of the FANCM gene, results from a G to C substitution at nucleotide position 5140. The alanine at codon 1714 is replaced by proline, an amino acid with highly similar properties. This amino acid position is conserved. In addition, this alteration is predicted to be tolerated by in silico analysis. Based on the available evidence, the clinical significance of this variant remains unclear.

GeneDx
Classification: Uncertain significance. Last evaluated: 2024-03-29. Review status: criteria provided, single submitter. Criteria: GeneDx Variant Classification Process June 2021. Collection method: clinical testing. Allele origin: germline. Affected: yes.
Comment: Not observed at significant frequency in large population cohorts (gnomAD); In silico analysis supports that this missense variant does not alter protein structure/function; Has not been previously published as pathogenic or benign to our knowledge

NM_020937.4(FANCM):c.5140G>C (p.Ala1714Pro)

Gene: FANCM (FA complementation group M; plus strand). Cytogenetic location: 14q21.2.
Variant type: single nucleotide variant.
Coding change: c.5140G>C on transcript NM_020937.4 (MANE Select); coding-DNA position 5140, G replaced by C.
Protein change: p.Ala1714Pro; replaces alanine 1714 with proline.
Molecular consequence: missense variant.
Genome position (GRCh38, 1-based): chr14:45,189,162, G>C. VCF-style: chr14-45189162-G-C. GRCh37 (hg19) VCF-style: chr14-45658365-G-C.
Other names: c.5062G>C, p.Ala1688Pro (NM_001308133.2); short protein forms A1688P, A1714P.
Identifiers: ClinVar variation 3371609 (VCV003371609.2).
Genomic context (GRCh38, chr14:45,189,162, plus strand): 5'-ACTGTTAAGAAGAACAAACAACAGGACCATTGTTTAAATTCAGTGCCTTCTGGATCTTCT[G>C]CGCAGTCCAAGGTGCGTTCTACTCCAAGAGTTAATCCATTAGCAAAGCAGAGCAAACAGA-3'
Protein context (NP_065988.1, residues 1704-1724): CLNSVPSGSS[Ala1714Pro]QSKVRSTPRV